The following is an entry in ClinVar:

NM_001303256.3(MORC2):c.2810T>C (p.Met937Thr)

Gene: MORC2 (MORC family CW-type zinc finger 2; minus strand). Cytogenetic location: 22q12.2.
Variant type: single nucleotide variant.
Coding change: c.2810T>C on transcript NM_001303256.3 (MANE Select); coding-DNA position 2810, T replaced by C.
Protein change: p.Met937Thr; replaces methionine 937 with threonine.
Molecular consequence: missense variant.
Genome position (GRCh38, 1-based): chr22:30,932,390, A>G on the plus strand (T>C on the coding strand, the complement: MORC2 is on the minus strand). VCF-style: chr22-30932390-A-G. GRCh37 (hg19) VCF-style: chr22-31328377-A-G.
Other names: c.2810T>C, p.Met937Thr (NM_001303257.2); c.2624T>C, p.Met875Thr (NM_014941.3); short protein forms M875T, M937T.
Identifiers: ClinVar variation 1712050 (VCV001712050.2), dbSNP rs2517568390, ClinGen allele CA411231308.

ClinVar aggregate classification (germline): Uncertain significance (1 of 4 stars; one submission).

Submission:

GeneDx
Classification: Uncertain significance. Last evaluated: 2022-04-22. Review status: criteria provided, single submitter. Criteria: GeneDx Variant Classification Process June 2021. Collection method: clinical testing. Allele origin: germline. Affected: yes.
Comment: Not observed at significant frequency in large population cohorts (gnomAD); In silico analysis supports that this missense variant has a deleterious effect on protein structure/function; Has not been previously published as pathogenic or benign to our knowledge